The following is an entry in ClinVar:

ClinVar aggregate classification (germline): Benign (1 of 4 stars; one submission).

Allele frequency attached by ClinVar (database versions not stated): gnomAD exomes 0.29952; 1000 Genomes Project 0.30451; 1000 Genomes Project 30x 0.31824; TOPMed 0.40277; gnomAD 0.40644.
gnomAD v4.1: 98,480 of 274,126 alleles (36%); highest among the groups gnomAD compares: African/African-American, 49%; 19,724 homozygotes.

Submission:

Unidad de Genómica Garrahan, Hospital de Pediatría Garrahan
Classification: Benign. Last evaluated: 2023-11-12. Review status: criteria provided, single submitter. Criteria: ACMG Guidelines, 2015. Collection method: clinical testing. Allele origin: germline. Affected: no. Observed: 47 variant alleles.
Comment: This variant is classified as Benign based on local population frequency. This variant was detected in 49% of patients studied by a panel of primary immunodeficiencies. Number of patients: 47. Only high quality variants are reported.

NM_000081.4(LYST):c.7781-565T>C

Gene: LYST (lysosomal trafficking regulator; minus strand). Cytogenetic location: 1q42.3.
Variant type: single nucleotide variant.
Coding change: c.7781-565T>C on transcript NM_000081.4 (MANE Select); 565 bases into the intron before coding-DNA position 7781, T replaced by C.
Molecular consequence: intron variant.
Genome position (GRCh38, 1-based): chr1:235,747,092, A>G on the plus strand (T>C on the coding strand, the complement: LYST is on the minus strand). VCF-style: chr1-235747092-A-G. GRCh37 (hg19) VCF-style: chr1-235910392-A-G.
Other names: c.7781-565T>C (NM_001301365.1).
Identifiers: ClinVar variation 2628181 (VCV002628181.2), dbSNP rs6676149, ClinGen allele CA15143291.